The following is an entry in ClinVar:

NM_001942.4(DSG1):c.1772A>G (p.Asp591Gly)

Genes: DSG1 (desmoglein 1; plus strand), DSG1-AS1 (DSG1 antisense RNA 1; minus strand). Cytogenetic location: 18q12.1.
Variant type: single nucleotide variant.
Coding change: c.1772A>G on transcript NM_001942.4 (MANE Select); coding-DNA position 1772, A replaced by G.
Protein change: p.Asp591Gly; replaces aspartic acid 591 with glycine.
Molecular consequence: missense variant. On other transcripts: non-coding transcript variant (2).
Genome position (GRCh38, 1-based): chr18:31,343,534, A>G. VCF-style: chr18-31343534-A-G. GRCh37 (hg19) VCF-style: chr18-28923497-A-G.
Other names: short protein forms D591G.
Identifiers: ClinVar variation 2823905 (VCV002823905.3), dbSNP rs2071804708, ClinGen allele CA402117392.

ClinVar aggregate classification (germline): Uncertain significance (1 of 4 stars; one submission).

Submission:

Labcorp Genetics (formerly Invitae), Labcorp
Classification: Uncertain significance. Last evaluated: 2023-03-18. Review status: criteria provided, single submitter. Criteria: Invitae Variant Classification Sherloc (09022015). Collection method: clinical testing. Allele origin: germline.
Comment: This sequence change replaces aspartic acid, which is acidic and polar, with glycine, which is neutral and non-polar, at codon 591 of the DSG1 protein (p.Asp591Gly). This variant is not present in population databases (gnomAD no frequency). This variant has not been reported in the literature in individuals affected with DSG1-related conditions. Advanced modeling of protein sequence and biophysical properties (such as structural, functional, and spatial information, amino acid conservation, physicochemical variation, residue mobility, and thermodynamic stability) performed at Invitae indicates that this missense variant is not expected to disrupt DSG1 protein function. In summary, the available evidence is currently insufficient to determine the role of this variant in disease. Therefore, it has been classified as a Variant of Uncertain Significance.